The following is an entry in ClinVar:

ClinVar aggregate classification (germline): Conflicting classifications of pathogenicity. Review status: criteria provided, conflicting classifications (1 of 4 stars). 5 submissions from 5 submitters: Uncertain significance (1); Benign (2); Likely benign (1). 1 of the submissions does not count toward it. Last evaluated 2026-01-27.

Conditions:
Pancreatic adenocarcinoma. Identifiers: MedGen C0281361, MONDO:0006047, HP:0006725.
Pancreatic cancer, susceptibility to, 1. Identifiers: Orphanet 1333, MedGen C1847351, MONDO:0011739, OMIM 606856.

Allele frequency attached by ClinVar (database versions not stated): gnomAD exomes 0.00067 and 0.00101; gnomAD 0.00099 and 0.00102; TOPMed 0.00113; 1000 Genomes Project 30x 0.00125; ExAC 0.00133.
gnomAD v4.1: 1,112 of 1,523,130 alleles (0.073%); highest among the groups gnomAD compares: Middle Eastern, 0.56%; 1 homozygote.

Submissions (5):

Labcorp Genetics (formerly Invitae), Labcorp
Classification: Benign for Pancreatic adenocarcinoma. Last evaluated: 2026-01-27. Review status: criteria provided, single submitter. Criteria: Invitae Variant Classification Sherloc (09022015). Collection method: clinical testing. Allele origin: germline.

Ambry Genetics
Classification: Uncertain significance. Last evaluated: 2024-12-05. Review status: criteria provided, single submitter. Criteria: Ambry Variant Classification Scheme 2023. Collection method: clinical testing. Allele origin: germline.
Comment: The p.L146R variant (also known as c.437T>G), located in coding exon 1 of the PALLD gene, results from a T to G substitution at nucleotide position 437. The leucine at codon 146 is replaced by arginine, an amino acid with dissimilar properties. This amino acid position is poorly conserved in available vertebrate species. In addition, this alteration is predicted to be tolerated by in silico analysis. The evidence for this gene-disease relationship is limited; therefore, the clinical significance of this alteration is unclear.

CeGaT Center for Human Genetics Tuebingen
Classification: Benign. Last evaluated: 2024-01-01. Review status: criteria provided, single submitter. Criteria: CeGaT Center For Human Genetics Tuebingen Variant Classification Criteria Version 2. Collection method: clinical testing. Allele origin: germline. Affected: yes. Observed: 2 variant alleles.
Comment: PALLD: BS1, BS2

KCCC/NGS Laboratory, Kuwait Cancer Control Center
Classification: Likely benign for Pancreatic cancer, susceptibility to, 1. Last evaluated: 2023-07-07. Review status: criteria provided, single submitter. Criteria: ACMG Guidelines, 2015. Collection method: clinical testing. Allele origin: germline. Affected: yes.

Department of Pathology and Laboratory Medicine, Sinai Health System
Classification: Likely benign. Review status: no assertion criteria provided. Collection method: clinical testing. Allele origin: unknown. Affected: yes. Study: The Canadian Open Genetics Repository (COGR). Not counted in ClinVar's aggregate classification.
Comment: The PALLD p.Leu146Arg variant was not identified in the literature nor was it identified in Cosmic. The variant was identified in dbSNP (ID: rs587780760) and ClinVar (classified as likley benign by Invitae). The variant was identified in control databases in 141 of 150214 chromosomes at a frequency of 0.0009387 increasing the likelihood this could be a low frequency benign variant (Genome Aggregation Database March 6, 2019, v2.1.1). The variant was observed in the following populations: Ashkenazi Jewish in 64 of 8006 chromosomes (freq: 0.007994), Other in 8 of 4760 chromosomes (freq: 0.001681), African in 19 of 13352 chromosomes (freq: 0.001423), Latino in 19 of 24026 chromosomes (freq: 0.000791), European (non-Finnish) in 30 of 59536 chromosomes (freq: 0.000504) and South Asian in 1 of 20936 chromosomes (freq: 0.000048), but was not observed in the East Asian or European (Finnish) populations. Although the p.Leu146 residue is not conserved in mammals and other organisms, computational analyses (PolyPhen-2, SIFT, AlignGVGD, BLOSUM, MutationTaster) suggest that the variant may impact the protein. The variant occurs outside of the splicing consensus sequence and three of four in silico or computational prediction software programs (SpliceSiteFinder, MaxEntScan, NNSPLICE, GeneSplicer) do not predict a greater than 10% difference in splicing; this is not very predictive of pathogenicity. In summary, based on the above information the clinical significance of this variant cannot be determined with certainty at this time although we would lean towards a more benign role for this variant. This variant is classified as likely benign.

NM_001166108.2(PALLD):c.1965-12594T>G

Gene: PALLD (palladin, cytoskeletal associated protein; plus strand). Cytogenetic location: 4q32.3.
Variant type: single nucleotide variant.
Coding change: c.1965-12594T>G on transcript NM_001166108.2 (MANE Select); 12594 bases into the intron before coding-DNA position 1965, T replaced by G.
Molecular consequence: intron variant. On other transcripts: missense variant (1).
Genome position (GRCh38, 1-based): chr4:168,878,328, T>G. VCF-style: chr4-168878328-T-G. GRCh37 (hg19) VCF-style: chr4-169799479-T-G.
Other names: c.437T>G, p.Leu146Arg (NM_001166110.2); c.1965-12594T>G (NM_016081.4, NM_001166108.1); c.819-12594T>G (NM_001166109.2); c.-157-12594T>G (NM_001367570.1, NM_001367568.1, NM_001367567.1 and 1 more transcripts); short protein forms L146R.
Identifiers: ClinVar variation 136007 (VCV000136007.55), dbSNP rs587780760, ClinGen allele CA332741.